The following is an entry in ClinVar:

NM_002769.5(PRSS1):c.434G>A (p.Gly145Asp)

Genes: PRSS1 (serine protease 1; plus strand), TRB (T cell receptor beta locus; plus strand). Cytogenetic location: 7q34.
Variant type: single nucleotide variant.
Coding change: c.434G>A on transcript NM_002769.5 (MANE Select); coding-DNA position 434, G replaced by A.
Protein change: p.Gly145Asp; replaces glycine 145 with aspartic acid.
Molecular consequence: missense variant. On other transcripts: non-coding transcript variant (5).
Genome position (GRCh38, 1-based): chr7:142,752,007, G>A. VCF-style: chr7-142752007-G-A. GRCh37 (hg19) VCF-style: chr7-142459858-G-A.
Other names: short protein forms G145D.
Identifiers: ClinVar variation 4862600 (VCV004862600.1).

ClinVar aggregate classification (germline): Uncertain significance (1 of 4 stars; one submission).

Conditions:
Hereditary pancreatitis (PCTT). Also called: Hereditary chronic pancreatitis; PRSS1-Related Hereditary Pancreatitis. Identifiers: Orphanet 676, MedGen C0238339, MONDO:0008185, OMIM 167800.

gnomAD v4.1: 1 of 1,614,126 alleles (0.000062%); highest among the groups gnomAD compares: Non-Finnish European, 0.000085%; no homozygotes.

Submission:

Ambry Genetics
Classification: Uncertain significance for Hereditary pancreatitis. Last evaluated: 2026-06-12. Review status: criteria provided, single submitter. Criteria: Ambry Variant Classification Scheme 2023. Collection method: clinical testing. Allele origin: germline.
Comment: The p.G145D variant (also known as c.434G>A), located in coding exon 3 of the PRSS1 gene, results from a G to A substitution at nucleotide position 434. The glycine at codon 145 is replaced by aspartic acid, an amino acid with similar properties. This amino acid position is conserved. In addition, this alteration is predicted to be deleterious by in silico analysis. Based on the available evidence, the clinical significance of this variant remains unclear.